The following is an entry in ClinVar:

NM_003730.6(RNASET2):c.610A>G (p.Thr204Ala)

Gene: RNASET2 (ribonuclease T2; minus strand). Cytogenetic location: 6q27.
Variant type: single nucleotide variant.
Coding change: c.610A>G on transcript NM_003730.6 (MANE Select); coding-DNA position 610, A replaced by G.
Protein change: p.Thr204Ala; replaces threonine 204 with alanine.
Molecular consequence: missense variant.
Genome position (GRCh38, 1-based): chr6:166,929,749, T>C on the plus strand (A>G on the coding strand, the complement: RNASET2 is on the minus strand). VCF-style: chr6-166929749-T-C. GRCh37 (hg19) VCF-style: chr6-167343237-T-C.
Other names: c.610A>G (NM_003730.4); short protein forms T204A.
Identifiers: ClinVar variation 1040471 (VCV001040471.8), dbSNP rs137968522, ClinGen allele CA4094836.

ClinVar aggregate classification (germline): Uncertain significance. Review status: criteria provided, multiple submitters, no conflicts (2 of 4 stars). 2 submissions from 2 submitters: Uncertain significance (2). Last evaluated 2025-08-14.

Conditions:
Inborn genetic diseases. Identifiers: MedGen C0950123, MeSH D030342.

Allele frequency attached by ClinVar (database versions not stated): gnomAD exomes 0.00003; ExAC 0.00004; TOPMed 0.00016; gnomAD 0.00019 and 0.00021; ESP Exome Variant Server 0.00023.
gnomAD v4.1: 58 of 1,614,192 alleles (0.0036%); highest among the groups gnomAD compares: African/African-American, 0.065%; no homozygotes.

Submissions (2):

Labcorp Genetics (formerly Invitae), Labcorp
Classification: Uncertain significance. Last evaluated: 2025-08-14. Review status: criteria provided, single submitter. Criteria: Invitae Variant Classification Sherloc (09022015). Collection method: clinical testing. Allele origin: germline.
Comment: This sequence change replaces threonine, which is neutral and polar, with alanine, which is neutral and non-polar, at codon 204 of the RNASET2 protein (p.Thr204Ala). This variant is present in population databases (rs137968522, gnomAD 0.04%). This variant has not been reported in the literature in individuals affected with RNASET2-related conditions. ClinVar contains an entry for this variant (Variation ID: 1040471). Invitae Evidence Modeling of protein sequence and biophysical properties (such as structural, functional, and spatial information, amino acid conservation, physicochemical variation, residue mobility, and thermodynamic stability) indicates that this missense variant is not expected to disrupt RNASET2 protein function with a negative predictive value of 80%. In summary, the available evidence is currently insufficient to determine the role of this variant in disease. Therefore, it has been classified as a Variant of Uncertain Significance.

Ambry Genetics
Classification: Uncertain significance for Inborn genetic diseases. Last evaluated: 2021-07-26. Review status: criteria provided, single submitter. Criteria: Ambry Variant Classification Scheme 2023. Collection method: clinical testing. Allele origin: germline.